The following is an entry in ClinVar:

ClinVar aggregate classification (germline): Pathogenic (1 of 4 stars; one submission).

Submission:

Labcorp Genetics (formerly Invitae), Labcorp
Classification: Pathogenic. Last evaluated: 2025-04-27. Review status: criteria provided, single submitter. Criteria: Invitae Variant Classification Sherloc (09022015). Collection method: clinical testing. Allele origin: germline.
Comment: This sequence change creates a premature translational stop signal (p.Glu412Argfs*6) in the CHM gene. It is expected to result in an absent or disrupted protein product. Loss-of-function variants in CHM are known to be pathogenic (PMID: 9067750, 23811034). This variant is not present in population databases (gnomAD no frequency). This variant has not been reported in the literature in individuals affected with CHM-related conditions. For these reasons, this variant has been classified as Pathogenic.

Literature cited by the submitters: PubMed 9067750; PubMed 23811034.

NM_000390.4(CHM):c.1233dup (p.Glu412fs)

Gene: CHM (CHM Rab escort protein; minus strand). Cytogenetic location: Xq21.2.
Variant type: Duplication.
Coding change: c.1233dup on transcript NM_000390.4 (MANE Select); coding-DNA position 1233, one base duplicated (A; older notation c.1233dupA).
Protein change: p.Glu412fs; shifts the reading frame from glutamic acid 412.
Molecular consequence: frameshift variant.
Genome position (GRCh38, 1-based): chrX:85,911,272, T duplicated on the plus strand (A on the coding strand, the reverse complement: CHM is on the minus strand); the first of 3 consecutive T bases (chrX:85,911,272-85,911,274); duplicating any one gives the same sequence. VCF-style (leftmost placement, unchanged base first): chrX-85911271-C-CT. GRCh37 (hg19) VCF-style: chrX-85166276-C-CT.
Other names: c.789dup, p.Glu264fs (NM_001320959.1, NM_001362517.1, NM_001362518.2 and 1 more transcripts); short protein forms E264fs, E412fs.
Identifiers: ClinVar variation 4718059 (VCV004718059.1).
Genomic context (GRCh38, chrX:85,911,271, plus strand): 5'-ATATGAATATATATATATATATATATGAAGGTTACTTATATCATCCTTACTTTCTGGATT[C>CT]TTTGTCCACTACAAGGCACTGTACTGAATGGCGAAGACAATAAATTCCACCAAACACAGC-3'